The following is an entry in ClinVar:

NM_006514.4(SCN10A):c.3844A>G (p.Met1282Val)

Gene: SCN10A (sodium voltage-gated channel alpha subunit 10; minus strand). Cytogenetic location: 3p22.2.
Variant type: single nucleotide variant.
Coding change: c.3844A>G on transcript NM_006514.4 (MANE Select); coding-DNA position 3844, A replaced by G.
Protein change: p.Met1282Val; replaces methionine 1282 with valine.
Molecular consequence: missense variant.
Genome position (GRCh38, 1-based): chr3:38,712,406, T>C on the plus strand (A>G on the coding strand, the complement: SCN10A is on the minus strand). VCF-style: chr3-38712406-T-C. GRCh37 (hg19) VCF-style: chr3-38753897-T-C.
Other names: c.3841A>G, p.Met1281Val (NM_001293306.2); c.3550A>G, p.Met1184Val (NM_001293307.2); short protein forms M1184V, M1282V, M1281V.
Identifiers: ClinVar variation 1735453 (VCV001735453.6), dbSNP rs1006794198, ClinGen allele CA72950560.
Genomic context (GRCh38, chr3:38,712,406, plus strand): 5'-GGTTCACACCCATGATGCTGAAGATGAGCCAGAAGATGAGGCAGACGAGGAGGACATTCA[T>C]GATGGATGGGATGGCGCCCACCAGGGCATCCACCACCACCTGGTGGGAGATAGAGAAAGA-3'
Protein context (NP_006505.4, residues 1272-1292): DALVGAIPSI[Met1282Val]NVLLVCLIFW

ClinVar aggregate classification (germline): Uncertain significance. Review status: criteria provided, multiple submitters, no conflicts (2 of 4 stars). 2 submissions from 2 submitters: Uncertain significance (2). Last evaluated 2022-03-12.

Conditions:
Brugada syndrome. Also called: Sudden unexpected nocturnal death syndrome; Sudden Unexplained Death Syndrome; Sudden Unexplained Nocturnal Death Syndrome (SUNDS); Sudden unexplained nocturnal death syndrome. Identifiers: Orphanet 130, MedGen C1142166, MONDO:0015263.
Cardiovascular phenotype. Identifiers: MedGen CN230736.

Allele frequency attached by ClinVar (database versions not stated): gnomAD exomes 0.00003.

Submissions (2):

Labcorp Genetics (formerly Invitae), Labcorp
Classification: Uncertain significance for Brugada syndrome. Last evaluated: 2022-03-12. Review status: criteria provided, single submitter. Criteria: Invitae Variant Classification Sherloc (09022015). Collection method: clinical testing. Allele origin: germline.
Comment: In summary, the available evidence is currently insufficient to determine the role of this variant in disease. Therefore, it has been classified as a Variant of Uncertain Significance. Advanced modeling of protein sequence and biophysical properties (such as structural, functional, and spatial information, amino acid conservation, physicochemical variation, residue mobility, and thermodynamic stability) performed at Invitae indicates that this missense variant is expected to disrupt SCN10A protein function. This variant has not been reported in the literature in individuals affected with SCN10A-related conditions. This variant is not present in population databases (gnomAD no frequency). This sequence change replaces methionine, which is neutral and non-polar, with valine, which is neutral and non-polar, at codon 1282 of the SCN10A protein (p.Met1282Val).

Ambry Genetics
Classification: Uncertain significance for Cardiovascular phenotype. Last evaluated: 2021-08-02. Review status: criteria provided, single submitter. Criteria: Ambry Variant Classification Scheme 2023. Collection method: clinical testing. Allele origin: germline.
Comment: The p.M1282V variant (also known as c.3844A>G), located in coding exon 22 of the SCN10A gene, results from an A to G substitution at nucleotide position 3844. The methionine at codon 1282 is replaced by valine, an amino acid with highly similar properties. This amino acid position is conserved. In addition, this alteration is predicted to be deleterious by in silico analysis. Since supporting evidence is limited at this time, the clinical significance of this alteration remains unclear.